The following is an entry in ClinVar:

NM_138694.4(PKHD1):c.8536A>G (p.Ile2846Val)

Gene: PKHD1 (PKHD1 ciliary IPT domain containing fibrocystin/polyductin; minus strand). Cytogenetic location: 6p12.3.
Variant type: single nucleotide variant.
Coding change: c.8536A>G on transcript NM_138694.4 (MANE Select); coding-DNA position 8536, A replaced by G.
Protein change: p.Ile2846Val; replaces isoleucine 2846 with valine.
Molecular consequence: missense variant.
Genome position (GRCh38, 1-based): chr6:51,775,826, T>C on the plus strand (A>G on the coding strand, the complement: PKHD1 is on the minus strand). VCF-style: chr6-51775826-T-C. GRCh37 (hg19) VCF-style: chr6-51640624-T-C.
Other names: c.8536A>G, p.Ile2846Val (NM_170724.3); short protein forms I2846V.
Identifiers: ClinVar variation 4627829 (VCV004627829.3).

ClinVar aggregate classification (germline): Conflicting classifications of pathogenicity. Review status: criteria provided, conflicting classifications (1 of 4 stars). 3 submissions from 3 submitters: Uncertain significance (2); Likely benign (1). Last evaluated 2025-09-21.

Conditions:
Inborn genetic diseases. Identifiers: MedGen C0950123, MeSH D030342.
PKHD1-related disorder. Also called: PKHD1-related condition.

gnomAD v4.1: 19 of 1,526,710 alleles (0.0012%); highest among the groups gnomAD compares: East Asian, 0.0023%; no homozygotes.

Submissions (3):

Ambry Genetics
Classification: Uncertain significance for Inborn genetic diseases. Last evaluated: 2025-09-21. Review status: criteria provided, single submitter. Criteria: Ambry Variant Classification Scheme 2023. Collection method: clinical testing. Allele origin: germline.

PreventionGenetics, part of Exact Sciences
Classification: Uncertain significance for PKHD1-related condition. Last evaluated: 2025-09-12. Review status: criteria provided, single submitter. Criteria: ACMG Guidelines, 2015. Collection method: clinical testing. Allele origin: germline.
Comment: The PKHD1 c.8536A>G variant is predicted to result in the amino acid substitution p.Ile2846Val. To our knowledge, this variant has not been reported in the literature. This variant is reported in 0.013% of alleles in individuals of European (non-Finnish) descent in gnomAD. At this time, the clinical significance of this variant is uncertain due to the absence of conclusive functional and genetic evidence.

Blueprint Genetics
Classification: Likely benign. Last evaluated: 2023-11-20. Review status: criteria provided, single submitter. Criteria: ACMG Guidelines, 2015. Collection method: clinical testing. Allele origin: germline.